The following is an entry in ClinVar:

NM_006734.4(HIVEP2):c.1809G>C (p.Glu603Asp)

Gene: HIVEP2 (HIVEP zinc finger 2; minus strand). Cytogenetic location: 6q24.2.
Variant type: single nucleotide variant.
Coding change: c.1809G>C on transcript NM_006734.4 (MANE Select); coding-DNA position 1809, G replaced by C.
Protein change: p.Glu603Asp; replaces glutamic acid 603 with aspartic acid.
Molecular consequence: missense variant.
Genome position (GRCh38, 1-based): chr6:142,772,930, C>G on the plus strand (G>C on the coding strand, the complement: HIVEP2 is on the minus strand). VCF-style: chr6-142772930-C-G. GRCh37 (hg19) VCF-style: chr6-143094067-C-G.
Other names: c.1809G>C, p.Glu603Asp (NM_001438449.1, NM_001438450.1, NM_001438451.1); short protein forms E603D.
Identifiers: ClinVar variation 4745078 (VCV004745078.1).

ClinVar aggregate classification (germline): Uncertain significance (1 of 4 stars; one submission).

Submission:

Labcorp Genetics (formerly Invitae), Labcorp
Classification: Uncertain significance. Last evaluated: 2025-04-22. Review status: criteria provided, single submitter. Criteria: Invitae Variant Classification Sherloc (09022015). Collection method: clinical testing. Allele origin: germline.
Comment: This sequence change replaces glutamic acid, which is acidic and polar, with aspartic acid, which is acidic and polar, at codon 603 of the HIVEP2 protein (p.Glu603Asp). This variant is not present in population databases (gnomAD no frequency). This variant has not been reported in the literature in individuals affected with HIVEP2-related conditions. Invitae Evidence Modeling of protein sequence and biophysical properties (such as structural, functional, and spatial information, amino acid conservation, physicochemical variation, residue mobility, and thermodynamic stability) indicates that this missense variant is not expected to disrupt HIVEP2 protein function with a negative predictive value of 80%. In summary, the available evidence is currently insufficient to determine the role of this variant in disease. Therefore, it has been classified as a Variant of Uncertain Significance.